The following is an entry in ClinVar:

NM_033028.5(BBS4):c.1036G>A (p.Val346Met)

Gene: BBS4 (Bardet-Biedl syndrome 4; plus strand). Cytogenetic location: 15q24.1.
Variant type: single nucleotide variant.
Coding change: c.1036G>A on transcript NM_033028.5 (MANE Select); coding-DNA position 1036, G replaced by A.
Protein change: p.Val346Met; replaces valine 346 with methionine.
Molecular consequence: missense variant. On other transcripts: non-coding transcript variant (2).
Genome position (GRCh38, 1-based): chr15:72,731,726, G>A. VCF-style: chr15-72731726-G-A. GRCh37 (hg19) VCF-style: chr15-73024067-G-A.
Other names: c.520G>A, p.Val174Met (NM_001252678.2); c.967G>A, p.Val323Met (NM_001320665.2); short protein forms V174M, V323M, V346M.
Identifiers: ClinVar variation 3355609 (VCV003355609.2).
Genomic context (GRCh38, chr15:72,731,726, plus strand): 5'-TTTCTCAGTGCGGCCATCAACTTCCAGCCAAAGATGGGGGAGCTCTACATGCTCTTGGCA[G>A]GTAAGAAACATTTATGTGGAAAACTCTCTCTGCCATCTGTAATGAGGGAAAAATGGATTA-3'
Protein context (NP_149017.2, residues 336-356): KMGELYMLLA[Val346Met]ALTNLEDIEN

ClinVar aggregate classification (germline): Uncertain significance. Review status: criteria provided, single submitter (1 of 4 stars). 2 submissions from 2 submitters: Uncertain significance (1). 1 of the submissions does not count toward it. Last evaluated 2023-12-20.

Conditions:
BBS4-related disorder. Also called: BBS4-related condition.

gnomAD v4.1: 3 of 1,613,990 alleles (0.00019%); highest among the groups gnomAD compares: African/African-American, 0.004%; no homozygotes.

Submissions (2):

GeneDx
Classification: Uncertain significance. Last evaluated: 2023-12-20. Review status: criteria provided, single submitter. Criteria: GeneDx Variant Classification Process June 2021. Collection method: clinical testing. Allele origin: germline. Affected: yes.
Comment: In silico analysis supports that this missense variant does not alter protein structure/function; Has not been previously published as pathogenic or benign to our knowledge; In silico analysis suggests this variant may impact gene splicing. In the absence of RNA/functional studies, the actual effect of this sequence change is unknown.

PreventionGenetics, part of Exact Sciences
Classification: Uncertain significance for BBS4-related condition. Last evaluated: 2024-03-04. Review status: no assertion criteria provided. Collection method: clinical testing. Allele origin: germline. Not counted in ClinVar's aggregate classification.
Comment: The BBS4 c.1036G>A variant is predicted to result in the amino acid substitution p.Val346Met. To our knowledge, this variant has not been reported in the literature. This variant is reported in 0.012% of alleles in individuals of African descent in gnomAD. At this time, the clinical significance of this variant is uncertain due to the absence of conclusive functional and genetic evidence.